The following is an entry in ClinVar:

ClinVar aggregate classification (germline): Uncertain significance (1 of 4 stars; one submission).

Allele frequency attached by ClinVar (database versions not stated): gnomAD 0.00001; gnomAD exomes 0.00002; TOPMed 0.00002.
gnomAD v4.1: 30 of 1,613,920 alleles (0.0019%); highest among the groups gnomAD compares: Non-Finnish European, 0.0025%; no homozygotes.

Submission:

Labcorp Genetics (formerly Invitae), Labcorp
Classification: Uncertain significance. Last evaluated: 2023-02-08. Review status: criteria provided, single submitter. Criteria: Invitae Variant Classification Sherloc (09022015). Collection method: clinical testing. Allele origin: germline.
Comment: This sequence change replaces leucine, which is neutral and non-polar, with valine, which is neutral and non-polar, at codon 2 of the NSUN3 protein (p.Leu2Val). This variant is present in population databases (no rsID available, gnomAD 0.01%). This variant has not been reported in the literature in individuals affected with NSUN3-related conditions. Algorithms developed to predict the effect of missense changes on protein structure and function (SIFT, PolyPhen-2, Align-GVGD) all suggest that this variant is likely to be tolerated. In summary, the available evidence is currently insufficient to determine the role of this variant in disease. Therefore, it has been classified as a Variant of Uncertain Significance.

NM_022072.5(NSUN3):c.4C>G (p.Leu2Val)

Genes: DHFR2 (dihydrofolate reductase 2; minus strand), NSUN3 (NOP2/Sun RNA methyltransferase 3; plus strand), LOC129937100 (ATAC-STARR-seq lymphoblastoid active region 20124; plus strand). Cytogenetic location: 3q11.2.
Variant type: single nucleotide variant.
Coding change: c.4C>G on transcript NM_022072.5 (MANE Select); coding-DNA position 4, C replaced by G.
Protein change: p.Leu2Val; replaces leucine 2 with valine.
Molecular consequence: missense variant.
Genome position (GRCh38, 1-based): chr3:94,063,130, C>G. VCF-style: chr3-94063130-C-G. GRCh37 (hg19) VCF-style: chr3-93781974-C-G.
Other names: short protein forms L2V.
Identifiers: ClinVar variation 3001997 (VCV003001997.3), dbSNP rs1441962517, ClinGen allele CA353681988.
Genomic context (GRCh38, chr3:94,063,130, plus strand): 5'-GAGGCTTTTTGATACTGATTCGCGTACACCTGTTGTTTGAAAGCTCTCAGCGGGACAATG[C>G]TGACCCAGGTGAGACCTGGGGCCCGGCTGGGTACCTCTATCTGAATGAGACGCTTCTGGA-3'
Protein context (NP_071355.1, residues 1-12): M[Leu2Val]TQLKAKSEGK